The following is an entry in ClinVar:

ClinVar aggregate classification (germline): Uncertain significance (1 of 4 stars; one submission).

Submission:

GeneDx
Classification: Uncertain significance. Last evaluated: 2024-04-02. Review status: criteria provided, single submitter. Criteria: GeneDx Variant Classification Process June 2021. Collection method: clinical testing. Allele origin: germline. Affected: yes.
Comment: Not observed at significant frequency in large population cohorts (gnomAD); In silico analysis supports that this missense variant has a deleterious effect on protein structure/function; Has not been previously published as pathogenic or benign to our knowledge

NM_030632.3(ASXL3):c.6722G>A (p.Cys2241Tyr)

Gene: ASXL3 (ASXL transcriptional regulator 3; plus strand). Cytogenetic location: 18q12.1.
Variant type: single nucleotide variant.
Coding change: c.6722G>A on transcript NM_030632.3 (MANE Select); coding-DNA position 6722, G replaced by A.
Protein change: p.Cys2241Tyr; replaces cysteine 2241 with tyrosine.
Molecular consequence: missense variant.
Genome position (GRCh38, 1-based): chr18:33,746,570, G>A. VCF-style: chr18-33746570-G-A. GRCh37 (hg19) VCF-style: chr18-31326534-G-A.
Other names: short protein forms C2241Y.
Identifiers: ClinVar variation 3371700 (VCV003371700.1).